The following is an entry in ClinVar:

NM_001134363.3(RBM20):c.780T>G (p.Ser260Arg)

Gene: RBM20 (RNA binding motif protein 20; plus strand). Cytogenetic location: 10q25.2.
Variant type: single nucleotide variant.
Coding change: c.780T>G on transcript NM_001134363.3 (MANE Select); coding-DNA position 780, T replaced by G.
Protein change: p.Ser260Arg; replaces serine 260 with arginine.
Molecular consequence: missense variant.
Genome position (GRCh38, 1-based): chr10:110,781,389, T>G. VCF-style: chr10-110781389-T-G. GRCh37 (hg19) VCF-style: chr10-112541147-T-G.
Other names: short protein forms S260R.
Identifiers: ClinVar variation 1707931 (VCV001707931.2), dbSNP rs1844344034, ClinGen allele CA378383178.

ClinVar aggregate classification (germline): Uncertain significance (1 of 4 stars; one submission).

Allele frequency attached by ClinVar (database versions not stated): gnomAD 0.00001; 1000 Genomes Project 30x 0.00031.
gnomAD v4.1: 1 of 1,551,718 alleles (0.000064%); highest among the groups gnomAD compares: Admixed American, 0.002%; no homozygotes.

Submission:

GeneDx
Classification: Uncertain significance. Last evaluated: 2022-04-01. Review status: criteria provided, single submitter. Criteria: GeneDx Variant Classification Process June 2021. Collection method: clinical testing. Allele origin: germline. Affected: yes.
Comment: Has not been previously published as pathogenic or benign to our knowledge; Not observed at significant frequency in large population cohorts (gnomAD); In silico analysis supports that this missense variant does not alter protein structure/function